The following is an entry in ClinVar:

NM_001395413.1(POR):c.127C>T (p.Leu43Phe)

Gene: POR (cytochrome p450 oxidoreductase; plus strand). Cytogenetic location: 7q11.23.
Variant type: single nucleotide variant.
Coding change: c.127C>T on transcript NM_001395413.1 (MANE Select); coding-DNA position 127, C replaced by T.
Protein change: p.Leu43Phe; replaces leucine 43 with phenylalanine.
Molecular consequence: missense variant.
Genome position (GRCh38, 1-based): chr7:75,954,128, C>T. VCF-style: chr7-75954128-C-T. GRCh37 (hg19) VCF-style: chr7-75583446-C-T.
Other names: c.136C>T, p.Leu46Phe (NM_000941.2, NM_000941.3); c.127C>T, p.Leu43Phe (NM_001367562.3, NM_001382655.3, NM_001382657.2 and 3 more transcripts); short protein forms L43F, L46F.
Identifiers: ClinVar variation 2136153 (VCV002136153.1), dbSNP rs2535263495, ClinGen allele CA367738494.

ClinVar aggregate classification (germline): Uncertain significance (1 of 4 stars; one submission).

Submission:

GeneDx
Classification: Uncertain significance. Last evaluated: 2022-07-20. Review status: criteria provided, single submitter. Criteria: GeneDx Variant Classification Process June 2021. Collection method: clinical testing. Allele origin: germline. Affected: yes.
Comment: Not observed at significant frequency in large population cohorts (gnomAD); In silico analysis supports that this missense variant does not alter protein structure/function; Has not been previously published as pathogenic or benign to our knowledge